The following is an entry in ClinVar:

ClinVar aggregate classification (germline): Pathogenic (1 of 4 stars; one submission).

Conditions:
Familial isolated deficiency of vitamin E (AVED). Also called: ATAXIA, FRIEDREICH-LIKE, WITH SELECTIVE VITAMIN E DEFICIENCY; Ataxia with isolated vitamin E deficiency. Identifiers: Orphanet 96, MedGen C1848533, MONDO:0010188, OMIM 277460.

Submission:

Myriad Genetics, Inc.
Classification: Pathogenic for Familial isolated deficiency of vitamin E. Last evaluated: 2023-09-27. Review status: criteria provided, single submitter. Criteria: Myriad Autosomal Dominant, Autosomal Recessive and X-Linked Classification Criteria (2023). Collection method: clinical testing. Allele origin: unknown.
Comment: NM_000370.3(TTPA):c.19dupC(Q7Pfs*69) is expected to be pathogenic in the context of ataxia with vitamin E deficiency. This variant is predicted to lead to an abnormal or absent protein product due to the creation of a premature termination codon in TTPA, a gene where loss-of-function variants are known to be pathogenic. Please note: this variant was assessed in the context of healthy population screening.

NM_000370.3(TTPA):c.19dup (p.Gln7fs)

Gene: TTPA (alpha tocopherol transfer protein; minus strand). Cytogenetic location: 8q12.3.
Variant type: Duplication.
Coding change: c.19dup on transcript NM_000370.3 (MANE Select); coding-DNA position 19, one base duplicated (C; older notation c.19dupC).
Protein change: p.Gln7fs; shifts the reading frame from glutamine 7.
Molecular consequence: frameshift variant. On other transcripts: non-coding transcript variant (3).
Genome position (GRCh38, 1-based): chr8:63,086,003, G duplicated on the plus strand (C on the coding strand, the reverse complement: TTPA is on the minus strand); the first of 3 consecutive G bases (chr8:63,086,003-63,086,005); duplicating any one gives the same sequence. VCF-style (leftmost placement, unchanged base first): chr8-63086002-T-TG. GRCh37 (hg19) VCF-style: chr8-63998561-T-TG.
Other names: c.19dup, p.Gln7fs (NM_001413414.1, NM_001413415.1, NM_001413416.1 and 2 more transcripts); short protein forms Q7fs.
Identifiers: ClinVar variation 5012266 (VCV005012266.1).